The following is an entry in ClinVar:

ClinVar aggregate classification (germline): Likely benign. Review status: criteria provided, multiple submitters, no conflicts (2 of 4 stars). 3 submissions from 3 submitters: Likely benign (3). Last evaluated 2025-10-03.

Conditions:
SCLT1-related disorder. Also called: SCLT1-related condition.

Allele frequency attached by ClinVar (database versions not stated): gnomAD exomes 0.00002 and 0.00005; ExAC 0.00008; gnomAD 0.00023; TOPMed 0.00028; ESP Exome Variant Server 0.00031; 1000 Genomes Project 0.00080; 1000 Genomes Project 30x 0.00094.

Submissions (3):

Labcorp Genetics (formerly Invitae), Labcorp
Classification: Likely benign. Last evaluated: 2025-10-03. Review status: criteria provided, single submitter. Criteria: Invitae Variant Classification Sherloc (09022015). Collection method: clinical testing. Allele origin: germline.

PreventionGenetics, part of Exact Sciences
Classification: Likely benign for SCLT1-related condition. Last evaluated: 2024-10-17. Review status: criteria provided, single submitter. Criteria: ACMG Guidelines, 2015. Collection method: clinical testing. Allele origin: germline.
Comment: This variant is classified as likely benign based on ACMG/AMP sequence variant interpretation guidelines (Richards et al. 2015 PMID: 25741868, with internal and published modifications).

Blueprint Genetics
Classification: Likely benign. Last evaluated: 2023-03-31. Review status: criteria provided, single submitter. Criteria: ACMG Guidelines, 2015. Collection method: clinical testing. Allele origin: germline.

NM_144643.4(SCLT1):c.1392G>A (p.Gln464=)

Gene: SCLT1 (sodium channel and clathrin linker 1; minus strand). Cytogenetic location: 4q28.2.
Variant type: single nucleotide variant.
Coding change: c.1392G>A on transcript NM_144643.4 (MANE Select); coding-DNA position 1392, G replaced by A.
Protein change: p.Gln464=; no amino-acid change (glutamine 464 retained).
Molecular consequence: synonymous variant.
Genome position (GRCh38, 1-based): chr4:128,946,054, C>T on the plus strand (G>A on the coding strand, the complement: SCLT1 is on the minus strand). VCF-style: chr4-128946054-C-T. GRCh37 (hg19) VCF-style: chr4-129867209-C-T.
Other names: c.1392G>A (NM_144643.3).
Identifiers: ClinVar variation 1642616 (VCV001642616.10), dbSNP rs150661945, ClinGen allele CA3079637.